The following is an entry in ClinVar:

NM_201548.5(CERKL):c.711C>G (p.Ser237Arg)

Gene: CERKL (CERK like autophagy regulator; minus strand). Cytogenetic location: 2q31.3.
Variant type: single nucleotide variant.
Coding change: c.711C>G on transcript NM_201548.5 (MANE Select); coding-DNA position 711, C replaced by G.
Protein change: p.Ser237Arg; replaces serine 237 with arginine.
Molecular consequence: missense variant. On other transcripts: non-coding transcript variant (2), intron variant (2).
Genome position (GRCh38, 1-based): chr2:181,558,675, G>C on the plus strand (C>G on the coding strand, the complement: CERKL is on the minus strand). VCF-style: chr2-181558675-G-C. GRCh37 (hg19) VCF-style: chr2-182423402-G-C.
Other names: c.789C>G, p.Ser263Arg (NM_001030311.3); c.515C>G, p.Ala172Gly (NM_001030314.1); c.647C>G, p.Ala216Gly (NM_001030315.1); c.657C>G, p.Ser219Arg (NM_001160277.2); c.482-8967C>G (NM_001030312.3); c.614-8967C>G (NM_001030313.3); short protein forms S219R, S237R, A216G, A172G, S263R.
Identifiers: ClinVar variation 2060761 (VCV002060761.4), dbSNP rs1688310517, ClinGen allele CA349740962.

ClinVar aggregate classification (germline): Uncertain significance. Review status: criteria provided, multiple submitters, no conflicts (2 of 4 stars). 3 submissions from 3 submitters: Uncertain significance (3). Last evaluated 2025-11-05.

Conditions:
Retinitis pigmentosa 26 (RP26). Identifiers: Orphanet 791, MedGen C1842127, MONDO:0012024, OMIM 608380.

Submissions (3):

Labcorp Genetics (formerly Invitae), Labcorp
Classification: Uncertain significance. Last evaluated: 2025-11-05. Review status: criteria provided, single submitter. Criteria: Invitae Variant Classification Sherloc (09022015). Collection method: clinical testing. Allele origin: germline.
Comment: This sequence change replaces serine, which is neutral and polar, with arginine, which is basic and polar, at codon 263 of the CERKL protein (p.Ser263Arg). This variant is not present in population databases (gnomAD no frequency). This missense change has been observed in individual(s) with retinitis pigmentosa (PMID: 33090715). ClinVar contains an entry for this variant (Variation ID: 2060761). Invitae Evidence Modeling of protein sequence and biophysical properties (such as structural, functional, and spatial information, amino acid conservation, physicochemical variation, residue mobility, and thermodynamic stability) indicates that this missense variant is expected to disrupt CERKL protein function with a positive predictive value of 95%. Algorithms developed to predict the effect of sequence changes on RNA splicing suggest that this variant may disrupt the consensus splice site. In summary, the available evidence is currently insufficient to determine the role of this variant in disease. Therefore, it has been classified as a Variant of Uncertain Significance.

Myriad Genetics, Inc.
Classification: Uncertain significance for Retinitis pigmentosa 26. Last evaluated: 2025-08-08. Review status: criteria provided, single submitter. Criteria: Myriad Autosomal Dominant, Autosomal Recessive and X-Linked Classification Criteria (2023). Collection method: clinical testing. Allele origin: unknown.
Comment: NM_001030311.2(CERKL):c.789C>G(S263R) is a missense variant classified as a variant of uncertain significance in the context of retinitis pigmentosa, CERKL-related. S263R has been observed in a case with relevant disease (PMID: 33090715). Relevant functional assessments of this variant are not available in the literature. S263R has not been observed in referenced population frequency databases. In summary, there is insufficient evidence to classify NM_001030311.2(CERKL):c.789C>G(S263R) as pathogenic or benign. Please note: this variant was assessed in the context of healthy population screening.

Blueprint Genetics
Classification: Uncertain significance. Last evaluated: 2020-03-27. Review status: criteria provided, single submitter. Criteria: ACMG Guidelines, 2015. Collection method: clinical testing. Allele origin: germline.

Literature cited by the submitters: PubMed 33090715 (cited by Labcorp Genetics (formerly Invitae), Labcorp and Myriad Genetics, Inc.).